The following is an entry in ClinVar:

NM_000256.3(MYBPC3):c.2035C>A (p.Pro679Thr)

Gene: MYBPC3 (myosin binding protein C3; minus strand). Cytogenetic location: 11p11.2.
Variant type: single nucleotide variant.
Coding change: c.2035C>A on transcript NM_000256.3 (MANE Select); coding-DNA position 2035, C replaced by A.
Protein change: p.Pro679Thr; replaces proline 679 with threonine.
Molecular consequence: missense variant.
Genome position (GRCh38, 1-based): chr11:47,339,683, G>T on the plus strand (C>A on the coding strand, the complement: MYBPC3 is on the minus strand). VCF-style: chr11-47339683-G-T. GRCh37 (hg19) VCF-style: chr11-47361234-G-T.
Other names: short protein forms P679T.
Identifiers: ClinVar variation 998888 (VCV000998888.10), dbSNP rs372493586, ClinGen allele CA380321476.

ClinVar aggregate classification (germline): Uncertain significance. Review status: criteria provided, multiple submitters, no conflicts (2 of 4 stars). 2 submissions from 2 submitters: Uncertain significance (2). Last evaluated 2020-03-11.

Conditions:
Hypertrophic cardiomyopathy. Also called: HYPERTROPHIC MYOCARDIOPATHY. Identifiers: Orphanet 217569, MedGen C0007194, MeSH D002312, MONDO:0005045, HP:0001639.

Submissions (2):

Labcorp Genetics (formerly Invitae), Labcorp
Classification: Uncertain significance for Hypertrophic cardiomyopathy. Last evaluated: 2020-03-11. Review status: criteria provided, single submitter. Criteria: Invitae Variant Classification Sherloc (09022015). Collection method: clinical testing. Allele origin: germline.
Comment: In summary, the available evidence is currently insufficient to determine the role of this variant in disease. Therefore, it has been classified as a Variant of Uncertain Significance. Algorithms developed to predict the effect of missense changes on protein structure and function (SIFT, PolyPhen-2, Align-GVGD) all suggest that this variant is likely to be disruptive, but these predictions have not been confirmed by published functional studies and their clinical significance is uncertain. This variant has not been reported in the literature in individuals with MYBPC3-related conditions. This sequence change replaces proline with threonine at codon 679 of the MYBPC3 protein (p.Pro679Thr). The proline residue is highly conserved and there is a small physicochemical difference between proline and threonine. This variant is not present in population databases (ExAC no frequency).

GeneDx
Classification: Uncertain significance. Last evaluated: 2019-11-05. Review status: criteria provided, single submitter. Criteria: GeneDx Variant Classification Process June 2021. Collection method: clinical testing. Allele origin: germline. Affected: yes.
Comment: Has not been previously published as pathogenic or benign to our knowledge; Not observed in large population cohorts (Lek et al., 2016); In silico analysis, which includes protein predictors and evolutionary conservation, supports a deleterious effect